The following is an entry in ClinVar:

NM_201384.3(PLEC):c.5023C>T (p.Arg1675Trp)

Gene: PLEC (plectin; minus strand). Cytogenetic location: 8q24.3.
Variant type: single nucleotide variant.
Coding change: c.5023C>T on transcript NM_201384.3 (MANE Select); coding-DNA position 5023, C replaced by T.
Protein change: p.Arg1675Trp; replaces arginine 1675 with tryptophan.
Molecular consequence: missense variant.
Genome position (GRCh38, 1-based): chr8:143,924,906, G>A on the plus strand (C>T on the coding strand, the complement: PLEC is on the minus strand). VCF-style: chr8-143924906-G-A. GRCh37 (hg19) VCF-style: chr8-144999074-G-A.
Other names: c.5104C>T, p.Arg1702Trp (NM_000445.5); c.4981C>T, p.Arg1661Trp (NM_201378.4); c.4957C>T, p.Arg1653Trp (NM_201379.3); c.5434C>T, p.Arg1812Trp (NM_201380.4); c.4927C>T, p.Arg1643Trp (NM_201381.3); c.5023C>T, p.Arg1675Trp (NM_201382.4); c.5035C>T, p.Arg1679Trp (NM_201383.3); short protein forms R1643W, R1653W, R1675W, R1679W, R1812W, R1702W, R1661W.
Identifiers: ClinVar variation 538935 (VCV000538935.55), dbSNP rs567331060, ClinGen allele CA4926457.

ClinVar aggregate classification (germline): Uncertain significance. Review status: criteria provided, multiple submitters, no conflicts (2 of 4 stars). 6 submissions from 6 submitters: Uncertain significance (6). Last evaluated 2025-10-09.

Conditions:
Epidermolysis bullosa simplex 5B, with muscular dystrophy (EBS5B). Also called: EPIDERMOLYSIS BULLOSA SIMPLEX AND LIMB-GIRDLE MUSCULAR DYSTROPHY; Epidermolysis bullosa simplex with muscular dystrophy. Identifiers: Orphanet 257, MedGen C2931072, MONDO:0009181, OMIM 226670.
Epidermolysis bullosa simplex, Ogna type (EBS5A). Also called: Pidermolysis bullosa simplex 5A, Ogna type; EPIDERMOLYSIS BULLOSA SIMPLEX 5A, OGNA TYPE. Identifiers: Orphanet 79401, MedGen C0432317, MONDO:0007555, OMIM 131950.
Epidermolysis bullosa simplex 5C, with pyloric atresia (EBS5C). Also called: PLEC1-Related Epidermolysis Bullosa with Pyloric Atresia; PLEC-Related Epidermolysis Bullosa with Pyloric Atresia; Epidermolysis bullosa simplex with pyloric atresia. Identifiers: Orphanet 158684, MedGen C2677349, MONDO:0012807, OMIM 612138.
Epidermolysis bullosa simplex with nail dystrophy (EBS5D). Identifiers: MedGen C4225309, MONDO:0014661, OMIM 616487.
Autosomal recessive limb-girdle muscular dystrophy type 2Q (LGMDR17). Also called: MUSCULAR DYSTROPHY, LIMB-GIRDLE, AUTOSOMAL RECESSIVE 17. Identifiers: Orphanet 254361, MedGen C3150989, MONDO:0013390, OMIM 613723.
Inborn genetic diseases. Identifiers: MedGen C0950123, MeSH D030342.

Allele frequency attached by ClinVar (database versions not stated): gnomAD 0.00005 and 0.00008; gnomAD exomes 0.00006; TOPMed 0.00009; 1000 Genomes Project 30x 0.00016; ExAC 0.00016; 1000 Genomes Project 0.00020.
gnomAD v4.1: 94 of 1,585,982 alleles (0.0059%); highest among the groups gnomAD compares: South Asian, 0.012%; no homozygotes.

Submissions (6):

Labcorp Genetics (formerly Invitae), Labcorp
Classification: Uncertain significance for Autosomal recessive limb-girdle muscular dystrophy type 2Q; Epidermolysis bullosa simplex, Ogna type; Epidermolysis bullosa simplex with nail dystrophy; Epidermolysis bullosa simplex 5C, with pyloric atresia; Epidermolysis bullosa simplex 5B, with muscular dystrophy. Last evaluated: 2025-10-09. Review status: criteria provided, single submitter. Criteria: Invitae Variant Classification Sherloc (09022015). Collection method: clinical testing. Allele origin: germline.
Comment: This sequence change replaces arginine, which is basic and polar, with tryptophan, which is neutral and slightly polar, at codon 1702 of the PLEC protein (p.Arg1702Trp). The frequency data for this variant in the population databases is considered unreliable, as metrics indicate poor data quality at this position in the gnomAD database. This variant has not been reported in the literature in individuals affected with PLEC-related conditions. ClinVar contains an entry for this variant (Variation ID: 538935). Experimental studies and prediction algorithms are not available or were not evaluated, and the functional significance of this variant is currently unknown. In summary, the available evidence is currently insufficient to determine the role of this variant in disease. Therefore, it has been classified as a Variant of Uncertain Significance.

Revvity Omics, Revvity
Classification: Uncertain significance. Last evaluated: 2023-02-21. Review status: criteria provided, single submitter. Criteria: ACMG Guidelines, 2015. Collection method: clinical testing. Allele origin: germline.

Athena Diagnostics
Classification: Uncertain significance. Last evaluated: 2022-05-20. Review status: criteria provided, single submitter. Criteria: Athena Diagnostics Criteria. Collection method: clinical testing. Allele origin: unknown.

Ambry Genetics
Classification: Uncertain significance for Inborn genetic diseases. Last evaluated: 2021-08-12. Review status: criteria provided, single submitter. Criteria: Ambry Variant Classification Scheme 2023. Collection method: clinical testing. Allele origin: germline.

CeGaT Center for Human Genetics Tuebingen
Classification: Uncertain significance. Last evaluated: 2018-01-01. Review status: criteria provided, single submitter. Criteria: CeGaT Center For Human Genetics Tuebingen Variant Classification Criteria Version 2. Collection method: clinical testing. Allele origin: germline. Affected: yes. Observed: 1 variant allele.

Breakthrough Genomics
Classification: Uncertain significance. Review status: criteria provided, single submitter. Criteria: ACMG Guidelines, 2015. Collection method: not provided. Allele origin: germline. Inheritance: Autosomal recessive inheritance. Affected: yes.